The following is an entry in ClinVar:

NM_005188.4(CBL):c.2097G>A (p.Glu699=)

Gene: CBL (Cbl proto-oncogene; plus strand). Cytogenetic location: 11q23.3.
Variant type: single nucleotide variant.
Coding change: c.2097G>A on transcript NM_005188.4 (MANE Select); coding-DNA position 2097, G replaced by A.
Protein change: p.Glu699=; no amino-acid change (glutamic acid 699 retained).
Molecular consequence: synonymous variant.
Genome position (GRCh38, 1-based): chr11:119,296,978, G>A. VCF-style: chr11-119296978-G-A. GRCh37 (hg19) VCF-style: chr11-119167688-G-A.
Other names: c.2097G>A (NM_005188.2).
Identifiers: ClinVar variation 374801 (VCV000374801.13), dbSNP rs1057519031, ClinGen allele CA16043921.

ClinVar aggregate classification (germline): Likely benign. Review status: criteria provided, multiple submitters, no conflicts (2 of 4 stars). 3 submissions from 3 submitters: Likely benign (3). Last evaluated 2025-03-11.

Conditions:
CBL-related disorder. Also called: CBL MUTATION-ASSOCIATED SYNDROME; CBL SYNDROME; NOONAN SYNDROME-LIKE DISORDER WITHOUT JUVENILE MYELOMONOCYTIC LEUKEMIA. Identifiers: Orphanet 363972, MedGen C3150803, MONDO:0013308, OMIM 613563.
Cardiovascular phenotype. Identifiers: MedGen CN230736.
RASopathy. Also called: rasopathies; Noonan spectrum disorder. Identifiers: Orphanet 536391, MedGen C5555857, MONDO:0021060.

Allele frequency attached by ClinVar (database versions not stated): gnomAD exomes below 0.00001; gnomAD 0.00001; TOPMed 0.00002.
gnomAD v4.1: 5 of 1,612,532 alleles (0.00031%); highest among the groups gnomAD compares: African/African-American, 0.0053%; no homozygotes.

Submissions (3):

Labcorp Genetics (formerly Invitae), Labcorp
Classification: Likely benign for RASopathy. Last evaluated: 2025-03-11. Review status: criteria provided, single submitter. Criteria: Invitae Variant Classification Sherloc (09022015). Collection method: clinical testing. Allele origin: germline.

Ambry Genetics
Classification: Likely benign for Cardiovascular phenotype. Last evaluated: 2024-11-25. Review status: criteria provided, single submitter. Criteria: Ambry Variant Classification Scheme 2023. Collection method: clinical testing. Allele origin: germline.

Genomic Diagnostic Laboratory, Division of Genomic Diagnostics, Children's Hospital of Philadelphia
Classification: Likely benign for Noonan syndrome-like disorder with or without juvenile myelomonocytic leukemia. Last evaluated: 2016-09-03. Review status: criteria provided, single submitter. Criteria: DGD Variant Analysis Guidelines. Collection method: clinical testing. Allele origin: germline. Affected: yes. Observed: 1 variant allele.
Comment: Clinical Testing